The following is an entry in ClinVar:

ClinVar aggregate classification (germline): Uncertain significance (1 of 4 stars; one submission).

Conditions:
Hereditary cancer-predisposing syndrome. Also called: Tumor predisposition; Neoplastic Syndromes, Hereditary; Hereditary neoplastic syndrome; Hereditary Cancer Syndrome. Identifiers: Orphanet 140162, MedGen C0027672, MeSH D009386, MONDO:0015356.

Submission:

Ambry Genetics
Classification: Uncertain significance for Hereditary cancer-predisposing syndrome. Last evaluated: 2024-11-15. Review status: criteria provided, single submitter. Criteria: Ambry Variant Classification Scheme 2023. Collection method: clinical testing. Allele origin: germline.
Comment: The p.P670H variant (also known as c.2009C>A), located in coding exon 18 of the TSC2 gene, results from a C to A substitution at nucleotide position 2009. The proline at codon 670 is replaced by histidine, an amino acid with similar properties. This amino acid position is conserved. In addition, the in silico prediction for this alteration is inconclusive. Based on the available evidence, the clinical significance of this variant remains unclear.

NM_000548.5(TSC2):c.2009C>A (p.Pro670His)

Gene: TSC2 (TSC complex subunit 2; plus strand). Cytogenetic location: 16p13.3.
Variant type: single nucleotide variant.
Coding change: c.2009C>A on transcript NM_000548.5 (MANE Select); coding-DNA position 2009, C replaced by A.
Protein change: p.Pro670His; replaces proline 670 with histidine.
Molecular consequence: missense variant. On other transcripts: non-coding transcript variant (5).
Genome position (GRCh38, 1-based): chr16:2,071,846, C>A. VCF-style: chr16-2071846-C-A. GRCh37 (hg19) VCF-style: chr16-2121847-C-A.
Other names: c.2009C>A, p.Pro670His (NM_001077183.3, NM_001114382.3, NM_001363528.2 and 6 more transcripts); c.1898C>A, p.Pro633His (NM_001318827.2, NM_001406670.1, NM_001406678.1); c.1862C>A, p.Pro621His (NM_001318829.2, NM_001406675.1, NM_001406676.1 and 1 more transcripts); c.1409C>A, p.Pro470His (NM_001318831.2, NM_001406680.1, NM_001406682.1 and 6 more transcripts); c.2042C>A, p.Pro681His (NM_001318832.2); c.2099C>A, p.Pro700His (NM_001406667.1, NM_001406668.1); c.1997C>A, p.Pro666His (NM_001406671.1, NM_001406673.1); c.1952C>A, p.Pro651His (NM_001406677.1); and 3 more; short protein forms P651H, P666H, P700H, P516H, P621H, P670H, P136H, P222H.
Identifiers: ClinVar variation 3462675 (VCV003462675.1).
Genomic context (GRCh38, chr16:2,071,846, plus strand): 5'-AGCCAGAGAGAGGCTCTGAGAAGAAGACCAGCGGCCCCCTTTCTCCTCCCACAGGGCCTC[C>A]TGGCCCGGCGCCTGCAGGCCCCGCCGTGCGGCTGGGGTCCGTGCCCTACTCCCTGCTCTT-3'
Protein context (NP_000539.2, residues 660-680): SGPLSPPTGP[Pro670His]GPAPAGPAVR